The following is an entry in ClinVar:

NM_006420.3(ARFGEF2):c.3663T>C (p.Gly1221=)

Gene: ARFGEF2 (ARF guanine nucleotide exchange factor 2; plus strand). Cytogenetic location: 20q13.13.
Variant type: single nucleotide variant.
Coding change: c.3663T>C on transcript NM_006420.3 (MANE Select); coding-DNA position 3663, T replaced by C.
Protein change: p.Gly1221=; no amino-acid change (glycine 1221 retained).
Molecular consequence: synonymous variant.
Genome position (GRCh38, 1-based): chr20:49,010,310, T>C. VCF-style: chr20-49010310-T-C. GRCh37 (hg19) VCF-style: chr20-47626847-T-C.
Other names: p.G1221G:GGT>GGC; p.Gly1221=.
Identifiers: ClinVar variation 128437 (VCV000128437.22), dbSNP rs2295580, ClinGen allele CA151893.
Genomic context (GRCh38, chr20:49,010,310, plus strand): 5'-CATGGCGATCCGCTGCATTGCCCAGATGGTGAACTCCCAGGCGGCCAACATCCGCTCAGG[T>C]TGGAAGAACATCTTTGCCGTGTTCCACCAGGCAGCCTCTGATCATGATGGGAACATTGTG-3'
Protein context (NP_006411.2, residues 1211-1231): VNSQAANIRS[Gly1221=]WKNIFAVFHQ

ClinVar aggregate classification (germline): Benign. Review status: criteria provided, multiple submitters, no conflicts (2 of 4 stars). 8 submissions from 8 submitters: Benign (7). 1 of the submissions does not count toward it. Last evaluated 2026-02-03.

Conditions:
Periventricular heterotopia with microcephaly, autosomal recessive (ARPHM). Also called: Periventricular heterotopia with microcephaly; PERIVENTRICULAR NODULAR HETEROTOPIA 2. Identifiers: Orphanet 2149, MedGen C1842563, MONDO:0011966, OMIM 608097.

Allele frequency attached by ClinVar (database versions not stated): gnomAD exomes 0.30950 and 0.32868; ExAC 0.31950; 1000 Genomes Project 0.35423; 1000 Genomes Project 30x 0.35759; gnomAD 0.37409 and 0.38170; TOPMed 0.37533; ESP Exome Variant Server 0.40389.

Submissions (8):

Labcorp Genetics (formerly Invitae), Labcorp
Classification: Benign. Last evaluated: 2026-02-03. Review status: criteria provided, single submitter. Criteria: Invitae Variant Classification Sherloc (09022015). Collection method: clinical testing. Allele origin: germline.

Blueprint Genetics
Classification: Benign. Last evaluated: 2024-11-28. Review status: criteria provided, single submitter. Criteria: ACMG Guidelines, 2015. Collection method: clinical testing. Allele origin: germline.

Mayo Clinic Laboratories, Mayo Clinic
Classification: Benign. Last evaluated: 2018-04-02. Review status: criteria provided, single submitter. Criteria: ACMG Guidelines, 2015. Collection method: clinical testing. Allele origin: germline. Observed: 312 variant alleles.

Illumina Laboratory Services, Illumina
Classification: Benign for Periventricular heterotopia with microcephaly, autosomal recessive. Last evaluated: 2018-01-13. Review status: criteria provided, single submitter. Criteria: ICSL Variant Classification Criteria 13 December 2019. Collection method: clinical testing. Allele origin: germline.
Comment: This variant was observed in the ICSL laboratory as part of a predisposition screen in an ostensibly healthy population. It had not been previously curated by ICSL or reported in the Human Gene Mutation Database (HGMD: prior to June 1st, 2018), and was therefore a candidate for classification through an automated scoring system. Utilizing variant allele frequency, disease prevalence and penetrance estimates, and inheritance mode, an automated score was calculated to assess if this variant is too frequent to cause the disease. Based on the score and internal cut-off values, a variant classified as benign is not then subjected to further curation. The score for this variant resulted in a classification of benign for this disease.

GeneDx
Classification: Benign. Last evaluated: 2013-10-30. Review status: criteria provided, single submitter. Criteria: GeneDx Variant Classification (06012015). Collection method: clinical testing. Allele origin: germline. Affected: yes.
Comment: This variant is considered likely benign or benign based on one or more of the following criteria: it is a conservative change, it occurs at a poorly conserved position in the protein, it is predicted to be benign by multiple in silico algorithms, and/or has population frequency not consistent with disease.

Breakthrough Genomics
Classification: Benign. Review status: criteria provided, single submitter. Criteria: ACMG Guidelines, 2015. Collection method: not provided. Allele origin: germline. Inheritance: Autosomal recessive inheritance. Affected: yes.

PreventionGenetics, part of Exact Sciences
Classification: Benign. Review status: criteria provided, single submitter. Criteria: ACMG Guidelines, 2015. Collection method: clinical testing. Allele origin: germline.

Genetic Services Laboratory, University of Chicago
Classification: Likely benign for AllHighlyPenetrant. Review status: no assertion criteria provided. Collection method: clinical testing. Allele origin: germline. Inheritance: Autosomal recessive inheritance. Not counted in ClinVar's aggregate classification.
Comment: Likely benign based on allele frequency in 1000 Genomes Project or ESP global frequency and its presence in a patient with a rare or unrelated disease phenotype. NOT Sanger confirmed.